The following is an entry in ClinVar:

NM_144973.4(DENND5B):c.1150C>G (p.Pro384Ala)

Gene: DENND5B (DENN domain containing 5B; minus strand). Cytogenetic location: 12p11.21.
Variant type: single nucleotide variant.
Coding change: c.1150C>G on transcript NM_144973.4 (MANE Select); coding-DNA position 1150, C replaced by G.
Protein change: p.Pro384Ala; replaces proline 384 with alanine.
Molecular consequence: missense variant.
Genome position (GRCh38, 1-based): chr12:31,452,419, G>C on the plus strand (C>G on the coding strand, the complement: DENND5B is on the minus strand). VCF-style: chr12-31452419-G-C. GRCh37 (hg19) VCF-style: chr12-31605353-G-C.
Other names: c.1255C>G, p.Pro419Ala (NM_001308339.2); c.1216C>G, p.Pro406Ala (NM_001366890.1, NM_001366893.1); c.619C>G, p.Pro207Ala (NM_001366891.1); c.1150C>G, p.Pro384Ala (NM_001366892.1); short protein forms P207A, P384A, P406A, P419A.
Identifiers: ClinVar variation 4077334 (VCV004077334.2).

ClinVar aggregate classification (germline): Uncertain significance (1 of 4 stars; one submission).

gnomAD v4.1: 3 of 1,612,424 alleles (0.00019%); highest among the groups gnomAD compares: Non-Finnish European, 0.00025%; no homozygotes.

Submission:

GeneDx
Classification: Uncertain significance. Last evaluated: 2025-11-24. Review status: criteria provided, single submitter. Criteria: GeneDx Variant Classification Process June 2021. Collection method: clinical testing. Allele origin: germline.
Comment: In silico analysis supports that this missense variant has a deleterious effect on protein structure/function; Has not been previously published as pathogenic or benign to our knowledge